The following is an entry in ClinVar:

NM_019851.3(FGF20):c.346G>C (p.Gly116Arg)

Gene: FGF20 (fibroblast growth factor 20; minus strand). Cytogenetic location: 8p22.
Variant type: single nucleotide variant.
Coding change: c.346G>C on transcript NM_019851.3 (MANE Select); coding-DNA position 346, G replaced by C.
Protein change: p.Gly116Arg; replaces glycine 116 with arginine.
Molecular consequence: missense variant.
Genome position (GRCh38, 1-based): chr8:16,995,699, C>G on the plus strand (G>C on the coding strand, the complement: FGF20 is on the minus strand). VCF-style: chr8-16995699-C-G. GRCh37 (hg19) VCF-style: chr8-16853208-C-G.
Other names: short protein forms G116R.
Identifiers: ClinVar variation 736558 (VCV000736558.11), dbSNP rs3793405, ClinGen allele CA4641643.

ClinVar aggregate classification (germline): Benign. Review status: criteria provided, multiple submitters, no conflicts (2 of 4 stars). 3 submissions from 3 submitters: Benign (2). 1 of the submissions does not count toward it. Last evaluated 2026-01-06.

Conditions:
FGF20-related disorder. Also called: FGF20-related condition.

Allele frequency attached by ClinVar (database versions not stated): gnomAD 0.00041 and 0.00074; TOPMed 0.00071; gnomAD exomes 0.00076 and 0.00133; ExAC 0.00139; 1000 Genomes Project 30x 0.00375; 1000 Genomes Project 0.00399.
gnomAD v4.1: 1,231 of 1,608,198 alleles (0.077%); highest among the groups gnomAD compares: East Asian, 2.3%; 14 homozygotes.

Submissions (3):

Labcorp Genetics (formerly Invitae), Labcorp
Classification: Benign. Last evaluated: 2026-01-06. Review status: criteria provided, single submitter. Criteria: Invitae Variant Classification Sherloc (09022015). Collection method: clinical testing. Allele origin: germline.

Breakthrough Genomics
Classification: Benign. Review status: criteria provided, single submitter. Criteria: ACMG Guidelines, 2015. Collection method: not provided. Allele origin: germline. Inheritance: Autosomal recessive inheritance. Affected: yes.

PreventionGenetics, part of Exact Sciences
Classification: Benign for FGF20-related condition. Last evaluated: 2024-04-24. Review status: no assertion criteria provided. Collection method: clinical testing. Allele origin: germline. Not counted in ClinVar's aggregate classification.
Comment: This variant is classified as benign based on ACMG/AMP sequence variant interpretation guidelines (Richards et al. 2015 PMID: 25741868, with internal and published modifications).